The following is an entry in ClinVar:

NM_014795.4(ZEB2):c.3451C>G (p.Leu1151Val)

Gene: ZEB2 (zinc finger E-box binding homeobox 2; minus strand). Cytogenetic location: 2q22.3.
Variant type: single nucleotide variant.
Coding change: c.3451C>G on transcript NM_014795.4 (MANE Select); coding-DNA position 3451, C replaced by G.
Protein change: p.Leu1151Val; replaces leucine 1151 with valine.
Molecular consequence: missense variant.
Genome position (GRCh38, 1-based): chr2:144,389,645, G>C on the plus strand (C>G on the coding strand, the complement: ZEB2 is on the minus strand). VCF-style: chr2-144389645-G-C. GRCh37 (hg19) VCF-style: chr2-145147212-G-C.
Other names: c.3379C>G, p.Leu1127Val (NM_001171653.2); short protein forms L1127V, L1151V.
Identifiers: ClinVar variation 2010976 (VCV002010976.4), dbSNP rs772764893, ClinGen allele CA348699273.

ClinVar aggregate classification (germline): Uncertain significance (1 of 4 stars; one submission).

Conditions:
Mowat-Wilson syndrome (MOWS). Also called: Classic Mowat-Wilson Syndrome. Identifiers: Orphanet 2152, MedGen C1856113, MONDO:0009341, OMIM 235730.

gnomAD v4.1: 1 of 1,613,954 alleles (0.000062%); highest among the groups gnomAD compares: Non-Finnish European, 0.000085%; no homozygotes.

Submission:

Labcorp Genetics (formerly Invitae), Labcorp
Classification: Uncertain significance for Mowat-Wilson syndrome. Last evaluated: 2022-07-02. Review status: criteria provided, single submitter. Criteria: Invitae Variant Classification Sherloc (09022015). Collection method: clinical testing. Allele origin: germline.
Comment: In summary, the available evidence is currently insufficient to determine the role of this variant in disease. Therefore, it has been classified as a Variant of Uncertain Significance. Algorithms developed to predict the effect of missense changes on protein structure and function (SIFT, PolyPhen-2, Align-GVGD) all suggest that this variant is likely to be tolerated. This variant has not been reported in the literature in individuals affected with ZEB2-related conditions. This variant is not present in population databases (gnomAD no frequency). This sequence change replaces leucine, which is neutral and non-polar, with valine, which is neutral and non-polar, at codon 1151 of the ZEB2 protein (p.Leu1151Val).